The following is an entry in ClinVar:

NM_001853.4(COL9A3):c.33G>A (p.Leu11=)

Gene: COL9A3 (collagen type IX alpha 3 chain; plus strand). Cytogenetic location: 20q13.33.
Variant type: single nucleotide variant.
Coding change: c.33G>A on transcript NM_001853.4 (MANE Select); coding-DNA position 33, G replaced by A.
Protein change: p.Leu11=; no amino-acid change (leucine 11 retained).
Molecular consequence: synonymous variant.
Genome position (GRCh38, 1-based): chr20:62,817,097, G>A. VCF-style: chr20-62817097-G-A. GRCh37 (hg19) VCF-style: chr20-61448449-G-A.
Identifiers: ClinVar variation 2652508 (VCV002652508.24), dbSNP rs1182300173, ClinGen allele CA511164665.

ClinVar aggregate classification (germline): Likely benign (1 of 4 stars; one submission).

Submission:

CeGaT Center for Human Genetics Tuebingen
Classification: Likely benign. Last evaluated: 2023-03-01. Review status: criteria provided, single submitter. Criteria: CeGaT Center For Human Genetics Tuebingen Variant Classification Criteria Version 2. Collection method: clinical testing. Allele origin: germline. Affected: yes. Observed: 1 variant allele.
Comment: COL9A3: PM2:Supporting, BP4, BP7